The following is an entry in ClinVar:

NM_016239.4(MYO15A):c.3012A>G (p.Ser1004=)

Gene: MYO15A (myosin XVA; plus strand). Cytogenetic location: 17p11.2.
Variant type: single nucleotide variant.
Coding change: c.3012A>G on transcript NM_016239.4 (MANE Select); coding-DNA position 3012, A replaced by G.
Protein change: p.Ser1004=; no amino-acid change (serine 1004 retained).
Molecular consequence: synonymous variant.
Genome position (GRCh38, 1-based): chr17:18,121,812, A>G. VCF-style: chr17-18121812-A-G. GRCh37 (hg19) VCF-style: chr17-18025126-A-G.
Identifiers: ClinVar variation 322128 (VCV000322128.20), dbSNP rs376387472, ClinGen allele CA8423358.

ClinVar aggregate classification (germline): Conflicting classifications of pathogenicity. Review status: criteria provided, conflicting classifications (1 of 4 stars). 6 submissions from 6 submitters: Uncertain significance (1); Likely benign (5). Last evaluated 2025-12-01.

Conditions:
Autosomal recessive nonsyndromic hearing loss 3. Also called: NEUROSENSORY NONSYNDROMIC RECESSIVE DEAFNESS 3. Identifiers: Orphanet 90636, MedGen C1838263, MONDO:0010860, OMIM 600316.

Allele frequency attached by ClinVar (database versions not stated): ExAC 0.00012; gnomAD exomes 0.00015 and 0.00024; TOPMed 0.00016; gnomAD 0.00018; ESP Exome Variant Server 0.00041.
gnomAD v4.1: 366 of 1,612,660 alleles (0.023%); highest among the groups gnomAD compares: Non-Finnish European, 0.03%; no homozygotes.

Submissions (6):

CeGaT Center for Human Genetics Tuebingen
Classification: Likely benign. Last evaluated: 2025-12-01. Review status: criteria provided, single submitter. Criteria: CeGaT Center For Human Genetics Tuebingen Variant Classification Criteria Version 2. Collection method: clinical testing. Allele origin: germline. Affected: yes. Observed: 1 variant allele.
Comment: MYO15A: BP4, BP7

Labcorp Genetics (formerly Invitae), Labcorp
Classification: Likely benign. Last evaluated: 2025-09-02. Review status: criteria provided, single submitter. Criteria: Invitae Variant Classification Sherloc (09022015). Collection method: clinical testing. Allele origin: germline.

Blueprint Genetics
Classification: Likely benign. Last evaluated: 2024-06-17. Review status: criteria provided, single submitter. Criteria: ACMG Guidelines, 2015. Collection method: clinical testing. Allele origin: germline.

GeneDx
Classification: Likely benign. Last evaluated: 2020-11-02. Review status: criteria provided, single submitter. Criteria: GeneDx Variant Classification Process June 2021. Collection method: clinical testing. Allele origin: germline. Affected: yes.

Illumina Laboratory Services, Illumina
Classification: Uncertain significance for Autosomal recessive nonsyndromic hearing loss 3. Last evaluated: 2018-01-13. Review status: criteria provided, single submitter. Criteria: ICSL Variant Classification Criteria 13 December 2019. Collection method: clinical testing. Allele origin: germline.

Laboratory for Molecular Medicine, Mass General Brigham Personalized Medicine
Classification: Likely benign. Last evaluated: 2017-04-13. Review status: criteria provided, single submitter. Criteria: LMM Criteria. Collection method: clinical testing. Allele origin: germline. Observed: 2 variant alleles.
Comment: p.Ser1004Ser in exon 2 of MYO15A: This variant is not expected to have clinical significance because it does not alter an amino acid residue and is not located within the splice consensus sequence. This variant has been identified in 40/126 034 of European chromosomes by the Genome Aggregation Database (gnomAD; dbSNP rs376387472).